The following is an entry in ClinVar:

NM_001018115.3(FANCD2):c.2353C>T (p.Leu785Phe)

Genes: FANCD2 (FA complementation group D2; plus strand), LOC107303338 (3p25 FANCD2 Alu-mediated recombination region; plus strand). Cytogenetic location: 3p25.3.
Variant type: single nucleotide variant.
Coding change: c.2353C>T on transcript NM_001018115.3 (MANE Select); coding-DNA position 2353, C replaced by T.
Protein change: p.Leu785Phe; replaces leucine 785 with phenylalanine.
Molecular consequence: missense variant.
Genome position (GRCh38, 1-based): chr3:10,065,947, C>T. VCF-style: chr3-10065947-C-T. GRCh37 (hg19) VCF-style: chr3-10107631-C-T.
Other names: c.2353C>T, p.Leu785Phe (NM_001319984.2, NM_001374254.1, NM_033084.6); c.2242C>T, p.Leu748Phe (NM_001374253.1); c.2353C>T (NM_033084.4); short protein forms L785F, L748F.
Identifiers: ClinVar variation 3588194 (VCV003588194.3).

ClinVar aggregate classification (germline): Uncertain significance. Review status: criteria provided, multiple submitters, no conflicts (2 of 4 stars). 2 submissions from 2 submitters: Uncertain significance (2). Last evaluated 2025-12-05.

Conditions:
Fanconi anemia (FA). Also called: Fanconi's anemia. Identifiers: Orphanet 84, MedGen C0015625, MeSH D005199, MONDO:0019391.
Fanconi anemia complementation group D2. Also called: FANCD2-Related Fanconi Anemia; FANCONI PANCYTOPENIA, TYPE 4; FANCONI ANEMIA, COMPLEMENTATION GROUP D. Identifiers: Orphanet 84, MedGen C3160738, MONDO:0009214, OMIM 227646.

Submissions (2):

Labcorp Genetics (formerly Invitae), Labcorp
Classification: Uncertain significance for Fanconi anemia. Last evaluated: 2025-12-05. Review status: criteria provided, single submitter. Criteria: Invitae Variant Classification Sherloc (09022015). Collection method: clinical testing. Allele origin: germline.
Comment: This sequence change replaces leucine, which is neutral and non-polar, with phenylalanine, which is neutral and non-polar, at codon 785 of the FANCD2 protein (p.Leu785Phe). This variant is present in population databases (rs753343425, gnomAD 0.007%). This variant has not been reported in the literature in individuals affected with FANCD2-related conditions. ClinVar contains an entry for this variant (Variation ID: 3588194). Invitae Evidence Modeling of protein sequence and biophysical properties (such as structural, functional, and spatial information, amino acid conservation, physicochemical variation, residue mobility, and thermodynamic stability) indicates that this missense variant is expected to disrupt FANCD2 protein function with a positive predictive value of 80%. In summary, the available evidence is currently insufficient to determine the role of this variant in disease. Therefore, it has been classified as a Variant of Uncertain Significance.

Fulgent Genetics
Classification: Uncertain significance for Fanconi anemia complementation group D2. Last evaluated: 2024-05-15. Review status: criteria provided, single submitter. Criteria: ACMG Guidelines, 2015. Collection method: clinical testing. Allele origin: germline.